The following is an entry in ClinVar:

ClinVar aggregate classification (germline): Uncertain significance. Review status: criteria provided, multiple submitters, no conflicts (2 of 4 stars). 2 submissions from 2 submitters: Uncertain significance (2). Last evaluated 2022-09-29.

Conditions:
Rubinstein-Taybi syndrome (RSTS). Identifiers: Orphanet 783, MedGen C0035934, MONDO:0019188.

Submissions (2):

Labcorp Genetics (formerly Invitae), Labcorp
Classification: Uncertain significance for Rubinstein-Taybi syndrome. Last evaluated: 2022-09-29. Review status: criteria provided, single submitter. Criteria: Invitae Variant Classification Sherloc (09022015). Collection method: clinical testing. Allele origin: germline.
Comment: In summary, the available evidence is currently insufficient to determine the role of this variant in disease. Therefore, it has been classified as a Variant of Uncertain Significance. Advanced modeling of protein sequence and biophysical properties (such as structural, functional, and spatial information, amino acid conservation, physicochemical variation, residue mobility, and thermodynamic stability) performed at Invitae indicates that this missense variant is not expected to disrupt CREBBP protein function. This variant has not been reported in the literature in individuals affected with CREBBP-related conditions. This variant is not present in population databases (gnomAD no frequency). This sequence change replaces threonine, which is neutral and polar, with alanine, which is neutral and non-polar, at codon 1899 of the CREBBP protein (p.Thr1899Ala).

GeneDx
Classification: Uncertain significance. Last evaluated: 2022-05-17. Review status: criteria provided, single submitter. Criteria: GeneDx Variant Classification Process June 2021. Collection method: clinical testing. Allele origin: germline. Affected: yes.
Comment: Not observed at significant frequency in large population cohorts (gnomAD); In silico analysis supports that this missense variant has a deleterious effect on protein structure/function; Has not been previously published as pathogenic or benign to our knowledge

NM_004380.3(CREBBP):c.5695A>G (p.Thr1899Ala)

Gene: CREBBP (CREB binding lysine acetyltransferase; minus strand). Cytogenetic location: 16p13.3.
Variant type: single nucleotide variant.
Coding change: c.5695A>G on transcript NM_004380.3 (MANE Select); coding-DNA position 5695, A replaced by G.
Protein change: p.Thr1899Ala; replaces threonine 1899 with alanine.
Molecular consequence: missense variant.
Genome position (GRCh38, 1-based): chr16:3,729,352, T>C on the plus strand (A>G on the coding strand, the complement: CREBBP is on the minus strand). VCF-style: chr16-3729352-T-C. GRCh37 (hg19) VCF-style: chr16-3779353-T-C.
Other names: c.5581A>G, p.Thr1861Ala (NM_001079846.1); short protein forms T1861A, T1899A.
Identifiers: ClinVar variation 1803462 (VCV001803462.6), dbSNP rs2151308945, ClinGen allele CA394555728.